The following is an entry in ClinVar:

ClinVar aggregate classification (germline): Uncertain significance (1 of 4 stars; one submission).

Submission:

Women's Health and Genetics/Laboratory Corporation of America, LabCorp
Classification: Uncertain significance. Last evaluated: 2024-10-22. Review status: criteria provided, single submitter. Criteria: LabCorp Variant Classification Summary - May 2015. Collection method: clinical testing. Allele origin: germline.
Comment: Variant summary: The variant involves the duplication of a part of exon 8 to through exon 11 in the TRIT1 gene. A presumed nomenclature of c.937_(*3635_?)dup has been designated for the purposes of this classification. It is assumed to be a tandem duplication in direct orientation (PMIDs: 25640679, 30054569). The exact breakpoint at the 3' end of this variant is unknown, therefore this duplication may extend downstream of the annotated region of the gene. As it duplicates the termination codon, its effect on the encoded protein is unknown. A large duplication, which matches the variant of interest was found at a frequency of 9.9e-05 in 120776 control chromosomes, predominantly at a frequency of 0.00019 within the Non-Finnish European subpopulation in the gnomAD database (Structural Variants v4.1 dataset), including 1 homozygote. To our knowledge, no occurrence of c.937_(*3635_?)dup in individuals affected with Combined Oxidative Phosphorylation Deficiency 35 and no experimental evidence demonstrating its impact on protein function have been reported. No submitters have cited clinical-significance assessments for this variant to ClinVar. Based on the evidence outlined above, the variant was classified as uncertain significance.

NC_000001.10:g.(?_40303781)_40312961dup

Gene: TRIT1 (tRNA isopentenyltransferase 1; minus strand). Cytogenetic location: 1p34.2.
Variant type: Duplication.
Identifiers: ClinVar variation 3385135 (VCV003385135.1).